The following is an entry in ClinVar:

NM_003331.5(TYK2):c.2716-10T>G

Gene: TYK2 (tyrosine kinase 2; minus strand). Cytogenetic location: 19p13.2.
Variant type: single nucleotide variant.
Coding change: c.2716-10T>G on transcript NM_003331.5 (MANE Select); 10 bases into the intron before coding-DNA position 2716, T replaced by G.
Molecular consequence: intron variant.
Genome position (GRCh38, 1-based): chr19:10,354,244, A>C on the plus strand (T>G on the coding strand, the complement: TYK2 is on the minus strand). VCF-style: chr19-10354244-A-C. GRCh37 (hg19) VCF-style: chr19-10464920-A-C.
Other names: p.?; c.2716-10T>G (LRG_121t1).
Identifiers: ClinVar variation 327936 (VCV000327936.16), dbSNP rs12720319, ClinGen allele CA9192940.

ClinVar aggregate classification (germline): Benign. Review status: criteria provided, multiple submitters, no conflicts (2 of 4 stars). 4 submissions from 4 submitters: Benign (4). Last evaluated 2026-02-01.

Conditions:
Immunodeficiency 35 (IMD35). Also called: HIES WITH ATYPICAL MYCOBACTERIOSIS, AUTOSOMAL RECESSIVE; HYPER-IgE SYNDROME WITH ATYPICAL MYCOBACTERIOSIS, AUTOSOMAL RECESSIVE; TYK2 DEFICIENCY; Susceptibility to infection due to TYK2 deficiency. Identifiers: Orphanet 331226, MedGen C1969086, MONDO:0012682, OMIM 611521.

Allele frequency attached by ClinVar (database versions not stated): gnomAD exomes 0.00254 and 0.00692; ExAC 0.00841; gnomAD 0.02834 and 0.03021; 1000 Genomes Project 0.02975; ESP Exome Variant Server 0.03076; TOPMed 0.03147; 1000 Genomes Project 30x 0.03232.
gnomAD v4.1: 8,172 of 1,610,004 alleles (0.51%); highest among the groups gnomAD compares: African/African-American, 9.6%; 354 homozygotes.

Submissions (4):

Labcorp Genetics (formerly Invitae), Labcorp
Classification: Benign for Immunodeficiency 35. Last evaluated: 2026-02-01. Review status: criteria provided, single submitter. Criteria: Invitae Variant Classification Sherloc (09022015). Collection method: clinical testing. Allele origin: germline.

Mayo Clinic Laboratories, Mayo Clinic
Classification: Benign. Last evaluated: 2024-03-30. Review status: criteria provided, single submitter. Criteria: ACMG Guidelines, 2015. Collection method: clinical testing. Allele origin: germline. Observed: 4 variant alleles.

Illumina Laboratory Services, Illumina
Classification: Benign for Immunodeficiency 35. Last evaluated: 2018-01-12. Review status: criteria provided, single submitter. Criteria: ICSL Variant Classification Criteria 13 December 2019. Collection method: clinical testing. Allele origin: germline.
Comment: This variant was observed in the ICSL laboratory as part of a predisposition screen in an ostensibly healthy population. It had not been previously curated by ICSL or reported in the Human Gene Mutation Database (HGMD: prior to June 1st, 2018), and was therefore a candidate for classification through an automated scoring system. Utilizing variant allele frequency, disease prevalence and penetrance estimates, and inheritance mode, an automated score was calculated to assess if this variant is too frequent to cause the disease. Based on the score and internal cut-off values, a variant classified as benign is not then subjected to further curation. The score for this variant resulted in a classification of benign for this disease.

GeneDx
Classification: Benign. Last evaluated: 2015-10-13. Review status: criteria provided, single submitter. Criteria: GeneDx Variant Classification (06012015). Collection method: clinical testing. Allele origin: germline. Affected: yes.
Comment: This variant is considered likely benign or benign based on one or more of the following criteria: it is a conservative change, it occurs at a poorly conserved position in the protein, it is predicted to be benign by multiple in silico algorithms, and/or has population frequency not consistent with disease.